The following is an entry in ClinVar:

NM_005097.4(LGI1):c.1643A>G (p.Tyr548Cys)

Gene: LGI1 (leucine rich glioma inactivated 1; plus strand). Cytogenetic location: 10q23.33.
Variant type: single nucleotide variant.
Coding change: c.1643A>G on transcript NM_005097.4 (MANE Select); coding-DNA position 1643, A replaced by G.
Protein change: p.Tyr548Cys; replaces tyrosine 548 with cysteine.
Molecular consequence: missense variant. On other transcripts: non-coding transcript variant (1).
Genome position (GRCh38, 1-based): chr10:93,797,772, A>G. VCF-style: chr10-93797772-A-G. GRCh37 (hg19) VCF-style: chr10-95557529-A-G.
Other names: c.862A>G, p.Thr288Ala (NM_001308275.2); c.1499A>G, p.Tyr500Cys (NM_001308276.2); short protein forms T288A, Y500C, Y548C.
Identifiers: ClinVar variation 3381521 (VCV003381521.2).

ClinVar aggregate classification (germline): Uncertain significance. Review status: criteria provided, multiple submitters, no conflicts (2 of 4 stars). 2 submissions from 2 submitters: Uncertain significance (2). Last evaluated 2024-09-08.

Conditions:
Inborn genetic diseases. Identifiers: MedGen C0950123, MeSH D030342.

Submissions (2):

Ambry Genetics
Classification: Uncertain significance for Inborn genetic diseases. Last evaluated: 2024-09-08. Review status: criteria provided, single submitter. Criteria: Ambry Variant Classification Scheme 2023. Collection method: clinical testing. Allele origin: germline.

GeneDx
Classification: Uncertain significance. Last evaluated: 2024-05-15. Review status: criteria provided, single submitter. Criteria: GeneDx Variant Classification Process June 2021. Collection method: clinical testing. Allele origin: germline. Affected: yes.
Comment: Not observed at significant frequency in large population cohorts (gnomAD); In silico analysis supports that this missense variant has a deleterious effect on protein structure/function; Has not been previously published as pathogenic or benign to our knowledge